The following is an entry in ClinVar:

NM_015450.3(POT1):c.1381A>C (p.Ser461Arg)

Gene: POT1 (protection of telomeres 1; minus strand). Cytogenetic location: 7q31.33.
Variant type: single nucleotide variant.
Coding change: c.1381A>C on transcript NM_015450.3 (MANE Select); coding-DNA position 1381, A replaced by C.
Protein change: p.Ser461Arg; replaces serine 461 with arginine.
Molecular consequence: missense variant. On other transcripts: non-coding transcript variant (3).
Genome position (GRCh38, 1-based): chr7:124,835,403, T>G on the plus strand (A>C on the coding strand, the complement: POT1 is on the minus strand). VCF-style: chr7-124835403-T-G. GRCh37 (hg19) VCF-style: chr7-124475457-T-G.
Other names: c.988A>C, p.Ser330Arg (NM_001042594.2); short protein forms S330R, S461R.
Identifiers: ClinVar variation 1302726 (VCV001302726.2), dbSNP rs762019631, ClinGen allele CA369066047.
Genomic context (GRCh38, chr7:124,835,403, plus strand): 5'-CGTGGCCAGATCTCACAGGAATTACACTATTAAACTTGTTCGAGAGTTTGCAAATTTCAC[T>G]GAGTGTACCTCCTGTTAAGAGAATAAATAAATCCTTCAAGTAGTGCAAATAAAATGTAGA-3'
Protein context (NP_056265.2, residues 451-471): CLLLIEGGTL[Ser461Arg]EICKLSNKFN

ClinVar aggregate classification (germline): Uncertain significance (1 of 4 stars; one submission).

Submission:

GeneDx
Classification: Uncertain significance. Last evaluated: 2019-06-03. Review status: criteria provided, single submitter. Criteria: GeneDx Variant Classification Process June 2021. Collection method: clinical testing. Allele origin: germline. Affected: yes.
Comment: Not observed in large population cohorts (Lek et al., 2016)